The following is an entry in ClinVar:

ClinVar aggregate classification (germline): Uncertain significance (1 of 4 stars; one submission).

Conditions:
Hereditary cancer-predisposing syndrome. Also called: Neoplastic Syndromes, Hereditary; Tumor predisposition; Hereditary neoplastic syndrome; Hereditary Cancer Syndrome. Identifiers: Orphanet 140162, MedGen C0027672, MeSH D009386, MONDO:0015356.

Submission:

Ambry Genetics
Classification: Uncertain significance for Hereditary cancer-predisposing syndrome. Last evaluated: 2023-12-11. Review status: criteria provided, single submitter. Criteria: Ambry Variant Classification Scheme 2023. Collection method: clinical testing. Allele origin: germline.
Comment: The p.I827L variant (also known as c.2479A>T), located in coding exon 15 of the DICER1 gene, results from an A to T substitution at nucleotide position 2479. The isoleucine at codon 827 is replaced by leucine, an amino acid with highly similar properties. This amino acid position is conserved. In addition, the in silico prediction for this alteration is inconclusive. Since supporting evidence is limited at this time, the clinical significance of this alteration remains unclear.

NM_177438.3(DICER1):c.2479A>T (p.Ile827Leu)

Gene: DICER1 (dicer 1, ribonuclease III; minus strand). Cytogenetic location: 14q32.13.
Variant type: single nucleotide variant.
Coding change: c.2479A>T on transcript NM_177438.3 (MANE Select); coding-DNA position 2479, A replaced by T.
Protein change: p.Ile827Leu; replaces isoleucine 827 with leucine.
Molecular consequence: missense variant. On other transcripts: non-coding transcript variant (6).
Genome position (GRCh38, 1-based): chr14:95,108,051, T>A on the plus strand (A>T on the coding strand, the complement: DICER1 is on the minus strand). VCF-style: chr14-95108051-T-A. GRCh37 (hg19) VCF-style: chr14-95574388-T-A.
Other names: c.2479A>T, p.Ile827Leu (NM_001195573.1, NM_001271282.3, NM_001291628.2 and 13 more transcripts); c.2197A>T, p.Ile733Leu (NM_001395686.1); c.2074A>T, p.Ile692Leu (NM_001395687.1, NM_001395688.1, NM_001395689.1 and 2 more transcripts); c.1912A>T, p.Ile638Leu (NM_001395691.1); c.796A>T, p.Ile266Leu (NM_001395697.1); short protein forms I266L, I638L, I692L, I733L, I827L.
Identifiers: ClinVar variation 3229338 (VCV003229338.1), dbSNP rs1891610086, ClinGen allele CA390881942.